The following is an entry in ClinVar:

ClinVar aggregate classification (germline): Conflicting classifications of pathogenicity. Review status: criteria provided, conflicting classifications (1 of 4 stars). 7 submissions from 7 submitters: Uncertain significance (5); Likely benign (1). 1 of the submissions does not count toward it. Last evaluated 2026-03-24.

Conditions:
Inborn genetic diseases. Identifiers: MedGen C0950123, MeSH D030342.
Acyl-CoA oxidase deficiency. Also called: STRAIGHT-CHAIN ACYL-CoA OXIDASE DEFICIENCY; Pseudoneonatal adrenoleukodystrophy; Peroxisomal acyl-CoA oxidase deficiency. Identifiers: Orphanet 2971, MedGen C1849678, MONDO:0009919, OMIM 264470. Disease mechanism: loss of function.

Allele frequency attached by ClinVar (database versions not stated): ExAC 0.00016; gnomAD exomes 0.00017 and 0.00026; gnomAD 0.00031 and 0.00032; 1000 Genomes Project 0.00040; 1000 Genomes Project 30x 0.00047; TOPMed 0.00074.
gnomAD v4.1: 427 of 1,614,120 alleles (0.026%); highest among the groups gnomAD compares: Admixed American, 0.1%; 1 homozygote.

Submissions (7):

Ambry Genetics
Classification: Likely benign for Inborn genetic diseases. Last evaluated: 2026-03-24. Review status: criteria provided, single submitter. Criteria: Ambry Variant Classification Scheme 2023. Collection method: clinical testing. Allele origin: germline.

Labcorp Genetics (formerly Invitae), Labcorp
Classification: Uncertain significance for Acyl-CoA oxidase deficiency. Last evaluated: 2025-01-15. Review status: criteria provided, single submitter. Criteria: Invitae Variant Classification Sherloc (09022015). Collection method: clinical testing. Allele origin: germline.
Comment: This sequence change replaces threonine, which is neutral and polar, with isoleucine, which is neutral and non-polar, at codon 473 of the ACOX1 protein (p.Thr473Ile). This variant is present in population databases (rs200608977, gnomAD 0.05%). This variant has not been reported in the literature in individuals affected with ACOX1-related conditions. ClinVar contains an entry for this variant (Variation ID: 445693). Invitae Evidence Modeling of protein sequence and biophysical properties (such as structural, functional, and spatial information, amino acid conservation, physicochemical variation, residue mobility, and thermodynamic stability) indicates that this missense variant is not expected to disrupt ACOX1 protein function with a negative predictive value of 80%. In summary, the available evidence is currently insufficient to determine the role of this variant in disease. Therefore, it has been classified as a Variant of Uncertain Significance.

Blueprint Genetics
Classification: Uncertain significance. Last evaluated: 2024-08-02. Review status: criteria provided, single submitter. Criteria: ACMG Guidelines, 2015. Collection method: clinical testing. Allele origin: germline.

Mayo Clinic Laboratories, Mayo Clinic
Classification: Uncertain significance. Last evaluated: 2023-08-15. Review status: criteria provided, single submitter. Criteria: ACMG Guidelines, 2015. Collection method: clinical testing. Allele origin: germline. Observed: 1 variant allele.

Department of Pathology and Laboratory Medicine, Sinai Health System
Classification: Uncertain significance for peroxisomal acyl-CoA oxidase deficiency. Last evaluated: 2022-05-06. Review status: criteria provided, single submitter. Criteria: ACMG Guidelines, 2015. Collection method: research. Allele origin: germline.

Center for Pediatric Genomic Medicine, Children's Mercy Hospital and Clinics
Classification: Uncertain significance. Last evaluated: 2017-06-20. Review status: criteria provided, single submitter. Criteria: ACMG Guidelines, 2015. Collection method: clinical testing. Allele origin: germline.

Natera, Inc.
Classification: Likely benign for Peroxisomal acyl-CoA oxidase deficiency. Last evaluated: 2019-10-28. Review status: no assertion criteria provided. Collection method: clinical testing. Allele origin: germline. Not counted in ClinVar's aggregate classification.

NM_004035.7(ACOX1):c.1418C>T (p.Thr473Ile)

Gene: ACOX1 (acyl-CoA oxidase 1; minus strand). Cytogenetic location: 17q25.1.
Variant type: single nucleotide variant.
Coding change: c.1418C>T on transcript NM_004035.7 (MANE Select); coding-DNA position 1418, C replaced by T.
Protein change: p.Thr473Ile; replaces threonine 473 with isoleucine.
Molecular consequence: missense variant.
Genome position (GRCh38, 1-based): chr17:75,949,778, G>A on the plus strand (C>T on the coding strand, the complement: ACOX1 is on the minus strand). VCF-style: chr17-75949778-G-A. GRCh37 (hg19) VCF-style: chr17-73945859-G-A.
Other names: p.Thr473Ile; c.1304C>T, p.Thr435Ile (NM_001185039.2); c.1418C>T, p.Thr473Ile (NM_007292.6); short protein forms T473I, T435I.
Identifiers: ClinVar variation 445693 (VCV000445693.13), dbSNP rs200608977, ClinGen allele CA8776781.
Genomic context (GRCh38, chr17:75,949,778, plus strand): 5'-CTGGCTGCACGGAGTTTATATGCTTCGGTTAGGCTTTCGGGGCTGTTGATATCCACCATG[G>A]TTGGCCAGACTGCTACCTGCTGTGGCTGGATGCGCTGACTGGGCAGGTCGTTCAAATAGG-3'
Protein context (NP_004026.2, residues 463-483): IQPQQVAVWP[Thr473Ile]MVDINSPESL